The following is an entry in ClinVar:

NM_002470.4(MYH3):c.2668C>G (p.Leu890Val)

Gene: MYH3 (myosin heavy chain 3; minus strand). Cytogenetic location: 17p13.1.
Variant type: single nucleotide variant.
Coding change: c.2668C>G on transcript NM_002470.4 (MANE Select); coding-DNA position 2668, C replaced by G.
Protein change: p.Leu890Val; replaces leucine 890 with valine.
Molecular consequence: missense variant.
Genome position (GRCh38, 1-based): chr17:10,640,010, G>C on the plus strand (C>G on the coding strand, the complement: MYH3 is on the minus strand). VCF-style: chr17-10640010-G-C. GRCh37 (hg19) VCF-style: chr17-10543327-G-C.
Other names: short protein forms L890V.
Identifiers: ClinVar variation 252605 (VCV000252605.7), dbSNP rs879255375, ClinGen allele CA10586030.
Genomic context (GRCh38, chr17:10,640,010, plus strand): 5'-AAATCTAGAAGAGTTAAAAAAAAAAAAAAGATTGCTAAACACGTACAGCTTGTACTTGGA[G>C]CTGCAGGTCATTCTTCTCTTGGACCAGAGTCACCAGTTTTTCCTCTAGCTCCTTCCTTTT-3'
Protein context (NP_002461.2, residues 880-900): TLVQEKNDLQ[Leu890Val]QVQAESENLL

ClinVar aggregate classification (germline): Uncertain significance. Review status: criteria provided, multiple submitters, no conflicts (2 of 4 stars). 3 submissions from 3 submitters: Uncertain significance (3). Last evaluated 2025-07-06.

Conditions:
Inborn genetic diseases. Identifiers: MedGen C0950123, MeSH D030342.

Allele frequency attached by ClinVar (database versions not stated): gnomAD exomes 0.00001 and 0.00002; gnomAD 0.00001; TOPMed below 0.00001.
gnomAD v4.1: 8 of 1,613,390 alleles (0.0005%); highest among the groups gnomAD compares: Admixed American, 0.013%; no homozygotes.

Submissions (3):

Labcorp Genetics (formerly Invitae), Labcorp
Classification: Uncertain significance. Last evaluated: 2025-07-06. Review status: criteria provided, single submitter. Criteria: Invitae Variant Classification Sherloc (09022015). Collection method: clinical testing. Allele origin: germline.
Comment: This sequence change replaces leucine, which is neutral and non-polar, with valine, which is neutral and non-polar, at codon 890 of the MYH3 protein (p.Leu890Val). This variant is present in population databases (no rsID available, gnomAD 0.02%). This variant has not been reported in the literature in individuals affected with MYH3-related conditions. ClinVar contains an entry for this variant (Variation ID: 252605). Invitae Evidence Modeling of protein sequence and biophysical properties (such as structural, functional, and spatial information, amino acid conservation, physicochemical variation, residue mobility, and thermodynamic stability) indicates that this missense variant is not expected to disrupt MYH3 protein function with a negative predictive value of 95%. In summary, the available evidence is currently insufficient to determine the role of this variant in disease. Therefore, it has been classified as a Variant of Uncertain Significance.

Ambry Genetics
Classification: Uncertain significance for Inborn genetic diseases. Last evaluated: 2025-04-10. Review status: criteria provided, single submitter. Criteria: Ambry Variant Classification Scheme 2023. Collection method: clinical testing. Allele origin: germline.

Genomic Diagnostic Laboratory, Division of Genomic Diagnostics, Children's Hospital of Philadelphia
Classification: Uncertain significance. Last evaluated: 2015-10-20. Review status: criteria provided, single submitter. Criteria: DGD Variant Analysis Guidelines. Collection method: clinical testing. Allele origin: unknown.